The following is an entry in ClinVar:

NM_003630.3(PEX3):c.1100C>T (p.Thr367Ile)

Gene: PEX3 (peroxisomal biogenesis factor 3; plus strand). Cytogenetic location: 6q24.2.
Variant type: single nucleotide variant.
Coding change: c.1100C>T on transcript NM_003630.3 (MANE Select); coding-DNA position 1100, C replaced by T.
Protein change: p.Thr367Ile; replaces threonine 367 with isoleucine.
Molecular consequence: missense variant.
Genome position (GRCh38, 1-based): chr6:143,489,204, C>T. VCF-style: chr6-143489204-C-T. GRCh37 (hg19) VCF-style: chr6-143810341-C-T.
Other names: short protein forms T367I.
Identifiers: ClinVar variation 595691 (VCV000595691.10), dbSNP rs1026394357, ClinGen allele CA149045554.
Genomic context (GRCh38, chr6:143,489,204, plus strand): 5'-ATCTGTTGACAATGGAGCAAGTGAAAGACTTTGCTGCTAATGTGTATGAAGCTTTTAGTA[C>T]CCCTCAGCAACTGGAGAAATGATTTTTCCTTCAAGAAAAACTACAGTGGGATTCATTTAC-3'
Protein context (NP_003621.1, residues 357-373): FAANVYEAFS[Thr367Ile]PQQLEK

ClinVar aggregate classification (germline): Uncertain significance. Review status: criteria provided, multiple submitters, no conflicts (2 of 4 stars). 2 submissions from 2 submitters: Uncertain significance (2). Last evaluated 2021-09-03.

Allele frequency attached by ClinVar (database versions not stated): gnomAD exomes below 0.00001; gnomAD 0.00001; TOPMed 0.00002.
gnomAD v4.1: 4 of 1,601,122 alleles (0.00025%); highest among the groups gnomAD compares: Admixed American, 0.0033%; no homozygotes.

Submissions (2):

Labcorp Genetics (formerly Invitae), Labcorp
Classification: Uncertain significance. Last evaluated: 2021-09-03. Review status: criteria provided, single submitter. Criteria: Invitae Variant Classification Sherloc (09022015). Collection method: clinical testing. Allele origin: germline.
Comment: In summary, the available evidence is currently insufficient to determine the role of this variant in disease. Therefore, it has been classified as a Variant of Uncertain Significance. Algorithms developed to predict the effect of missense changes on protein structure and function are either unavailable or do not agree on the potential impact of this missense change (SIFT: "Deleterious"; PolyPhen-2: "Benign"; Align-GVGD: "Class C0"). This sequence change replaces threonine with isoleucine at codon 367 of the PEX3 protein (p.Thr367Ile). The threonine residue is highly conserved and there is a moderate physicochemical difference between threonine and isoleucine. This variant is not present in population databases (ExAC no frequency). This variant has not been reported in the literature in individuals affected with PEX3-related conditions. ClinVar contains an entry for this variant (Variation ID: 595691).

Eurofins Ntd Llc (ga)
Classification: Uncertain significance. Last evaluated: 2018-01-11. Review status: criteria provided, single submitter. Criteria: EGL Classification Definitions 2015. Collection method: clinical testing. Allele origin: germline. Observed: 1 variant allele, 1 heterozygote.